The following is an entry in ClinVar:

NM_002900.3(RBP3):c.802A>T (p.Lys268Ter)

Gene: RBP3 (retinol binding protein 3; plus strand). Cytogenetic location: 10q11.22.
Variant type: single nucleotide variant.
Coding change: c.802A>T on transcript NM_002900.3 (MANE Select); coding-DNA position 802, A replaced by T.
Protein change: p.Lys268Ter; replaces lysine 268 with a stop codon.
Molecular consequence: nonsense.
Genome position (GRCh38, 1-based): chr10:47,349,286, A>T. VCF-style: chr10-47349286-A-T. GRCh37 (hg19) VCF-style: chr10-48390076-T-A.
Other names: short protein forms K268*.
Identifiers: ClinVar variation 862735 (VCV000862735.7), dbSNP rs1253286238, ClinGen allele CA376666598.

ClinVar aggregate classification (germline): Pathogenic (1 of 4 stars; one submission).

Allele frequency attached by ClinVar (database versions not stated): gnomAD exomes below 0.00001; TOPMed 0.00002; gnomAD 0.00003 and 0.00005.
gnomAD v4.1: 10 of 1,612,760 alleles (0.00062%); highest among the groups gnomAD compares: Admixed American, 0.0067%; no homozygotes.

Submission:

Labcorp Genetics (formerly Invitae), Labcorp
Classification: Pathogenic. Last evaluated: 2024-09-23. Review status: criteria provided, single submitter. Criteria: Invitae Variant Classification Sherloc (09022015). Collection method: clinical testing. Allele origin: germline.
Comment: This sequence change creates a premature translational stop signal (p.Lys268*) in the RBP3 gene. It is expected to result in an absent or disrupted protein product. Loss-of-function variants in RBP3 are known to be pathogenic (PMID: 9614228, 23105016, 25766589). This variant is not present in population databases (gnomAD no frequency). This variant has not been reported in the literature in individuals affected with RBP3-related conditions. ClinVar contains an entry for this variant (Variation ID: 862735). For these reasons, this variant has been classified as Pathogenic.

Literature cited by the submitters: PubMed 9614228; PubMed 23105016; PubMed 25766589.